The following is an entry in ClinVar:

ClinVar aggregate classification (germline): Likely benign (1 of 4 stars; one submission).

Submission:

CeGaT Center for Human Genetics Tuebingen
Classification: Likely benign. Last evaluated: 2026-03-01. Review status: criteria provided, single submitter. Criteria: CeGaT Center For Human Genetics Tuebingen Variant Classification Criteria Version 2. Collection method: clinical testing. Allele origin: germline. Affected: yes. Observed: 1 variant allele.
Comment: SALL1: BS1

NC_000016.10:g.51079152C>T

Gene: SALL1 (spalt like transcription factor 1; minus strand). Cytogenetic location: 16q12.1.
Variant type: single nucleotide variant.
Genome position: GRCh38 VCF-style: chr16-51079152-C-T. GRCh37 (hg19) VCF-style: chr16-51113063-C-T.
Identifiers: ClinVar variation 4822106 (VCV004822106.4).